The following is an entry in ClinVar:

NM_000051.4:c.7387_7388insAluYk11

Gene: ATM (ATM serine/threonine kinase; plus strand).
Variant type: Insertion.
Other names: c.7387_7388insAluYk11 (NM_000051.4).
Identifiers: ClinVar variation 870290 (VCV000870290.1).

ClinVar aggregate classification (germline): Pathogenic (1 of 4 stars; one submission).

Conditions:
Ataxia-telangiectasia syndrome (AT). Also called: Cerebello-oculocutaneous telangiectasia; Immunodeficiency with ataxia telangiectasia; Ataxia-telangiectasia, complementation group D; AT, COMPLEMENTATION GROUP C; Ataxia-telangiectasia; LOUIS-BAR SYNDROME. Identifiers: Orphanet 100, MedGen C0004135, MONDO:0008840, OMIM 208900.

Submission:

Labcorp Genetics (formerly Invitae), Labcorp
Classification: Pathogenic for Ataxia-telangiectasia syndrome. Last evaluated: 2019-11-08. Review status: criteria provided, single submitter. Criteria: Invitae Variant Classification Sherloc (09022015). Collection method: clinical testing. Allele origin: germline.
Comment: This sequence change inserts an Alu retrotransposon in exon 50 of the ATM mRNA (c.7388_7389insAlu), causing a frameshift at codon 2463 (p.Leu2463fs). The exact size and sequence of the insertion cannot be determined by the current assay. However, the insertion is expected to result in an absent or disrupted protein product. Retrotransposon insertions including LINE1 (L1), Alu, and SVA (SINE-VNTR-Alu) have been reported to be disease-causing through disruption of either a coding region or splice site (PMID: 19763152, 20307669, 22406018). Although this variant has not been reported in the literature, loss-of-function variants in ATM are known to be pathogenic (PMID: 10817650, 19781682). For these reasons, this variant has been classified as Pathogenic.

Literature cited by the submitters: PubMed 10817650; PubMed 20307669; PubMed 22406018; PubMed 19781682; PubMed 19763152.